The following is an entry in ClinVar:

ClinVar aggregate classification (germline): Uncertain significance (1 of 4 stars; one submission).

Conditions:
Inborn genetic diseases. Identifiers: MedGen C0950123, MeSH D030342.

Allele frequency attached by ClinVar (database versions not stated): TOPMed below 0.00001; ExAC 0.00001; gnomAD 0.00002.
gnomAD v4.1: 3 of 1,613,492 alleles (0.00019%); highest among the groups gnomAD compares: African/African-American, 0.004%; no homozygotes.

Submission:

Ambry Genetics
Classification: Uncertain significance for Inborn genetic diseases. Last evaluated: 2022-10-12. Review status: criteria provided, single submitter. Criteria: Ambry Variant Classification Scheme 2023. Collection method: clinical testing. Allele origin: germline.
Comment: The p.N2382K variant (also known as c.7146C>G), located in coding exon 42 of the ATR gene, results from a C to G substitution at nucleotide position 7146. The asparagine at codon 2382 is replaced by lysine, an amino acid with similar properties. This amino acid position is conserved. In addition, the in silico prediction for this alteration is inconclusive. Since supporting evidence is limited at this time, the clinical significance of this alteration remains unclear.

NM_001184.4(ATR):c.7146C>G (p.Asn2382Lys)

Gene: ATR (ATR checkpoint kinase; minus strand). Cytogenetic location: 3q23.
Variant type: single nucleotide variant.
Coding change: c.7146C>G on transcript NM_001184.4 (MANE Select); coding-DNA position 7146, C replaced by G.
Protein change: p.Asn2382Lys; replaces asparagine 2382 with lysine.
Molecular consequence: missense variant.
Genome position (GRCh38, 1-based): chr3:142,461,986, G>C on the plus strand (C>G on the coding strand, the complement: ATR is on the minus strand). VCF-style: chr3-142461986-G-C. GRCh37 (hg19) VCF-style: chr3-142180828-G-C.
Other names: c.6954C>G, p.Asn2318Lys (NM_001354579.2); short protein forms N2382K, N2318K.
Identifiers: ClinVar variation 1757362 (VCV001757362.2), dbSNP rs776255209, ClinGen allele CA2649202.